The following is an entry in ClinVar:

NM_006514.4(SCN10A):c.5263G>A (p.Ala1755Thr)

Gene: SCN10A (sodium voltage-gated channel alpha subunit 10; minus strand). Cytogenetic location: 3p22.2.
Variant type: single nucleotide variant.
Coding change: c.5263G>A on transcript NM_006514.4 (MANE Select); coding-DNA position 5263, G replaced by A.
Protein change: p.Ala1755Thr; replaces alanine 1755 with threonine.
Molecular consequence: missense variant.
Genome position (GRCh38, 1-based): chr3:38,697,957, C>T on the plus strand (G>A on the coding strand, the complement: SCN10A is on the minus strand). VCF-style: chr3-38697957-C-T. GRCh37 (hg19) VCF-style: chr3-38739448-C-T.
Other names: c.5260G>A, p.Ala1754Thr (NM_001293306.2); c.4969G>A, p.Ala1657Thr (NM_001293307.2); short protein forms A1755T, A1657T, A1754T.
Identifiers: ClinVar variation 1519903 (VCV001519903.6), dbSNP rs371924465, ClinGen allele CA2319710.
Genomic context (GRCh38, chr3:38,697,957, plus strand): 5'-GGGGACCAGAGAGAGTGTCTGCAAAGTCCGAGAGAGCAGAAAAGGTAATAAACTGAGTGG[C>T]CTCTGGGTCAAACTTCTCCCAGGTCTCATAGAACATGTCAAAGTCGTCCTCACTCAGGGG-3'
Protein context (NP_006505.4, residues 1745-1765): YETWEKFDPE[Ala1755Thr]TQFITFSALS

ClinVar aggregate classification (germline): Uncertain significance (1 of 4 stars; one submission).

Conditions:
Brugada syndrome. Also called: Sudden Unexplained Nocturnal Death Syndrome (SUNDS); Sudden unexpected nocturnal death syndrome; Sudden Unexplained Death Syndrome; Sudden unexplained nocturnal death syndrome. Identifiers: Orphanet 130, MedGen C1142166, MONDO:0015263.

Allele frequency attached by ClinVar (database versions not stated): TOPMed below 0.00001; gnomAD exomes 0.00001; ExAC 0.00002; gnomAD 0.00003; ESP Exome Variant Server 0.00008.
gnomAD v4.1: 12 of 1,613,986 alleles (0.00074%); highest among the groups gnomAD compares: Non-Finnish European, 0.001%; no homozygotes.

Submission:

Labcorp Genetics (formerly Invitae), Labcorp
Classification: Uncertain significance for Brugada syndrome. Last evaluated: 2025-05-18. Review status: criteria provided, single submitter. Criteria: Invitae Variant Classification Sherloc (09022015). Collection method: clinical testing. Allele origin: germline.
Comment: This sequence change replaces alanine, which is neutral and non-polar, with threonine, which is neutral and polar, at codon 1755 of the SCN10A protein (p.Ala1755Thr). This variant is present in population databases (rs371924465, gnomAD 0.002%). This missense change has been observed in individual(s) with small fiber neuropathy (PMID: 25250524). ClinVar contains an entry for this variant (Variation ID: 1519903). Invitae Evidence Modeling of protein sequence and biophysical properties (such as structural, functional, and spatial information, amino acid conservation, physicochemical variation, residue mobility, and thermodynamic stability) indicates that this missense variant is expected to disrupt SCN10A protein function with a positive predictive value of 80%. In summary, the available evidence is currently insufficient to determine the role of this variant in disease. Therefore, it has been classified as a Variant of Uncertain Significance.

Literature cited by the submitters: PubMed 25250524.